The following is an entry in ClinVar:

ClinVar aggregate classification (germline): Conflicting classifications of pathogenicity. Review status: criteria provided, conflicting classifications (1 of 4 stars). 2 submissions from 1 submitter: Uncertain significance (1); Benign (1).

Conditions:
Maturity-onset diabetes of the young (MODY). Also called: Maturity onset diabetes mellitus in young. Identifiers: Orphanet 552, MedGen C0342276, MONDO:0018911, HP:0004904.
Transitory neonatal diabetes mellitus. Also called: Transient neonatal diabetes mellitus. Identifiers: MedGen C0342273, MONDO:0020525, HP:0008255.

Submissions (2):

Clinical Genomics, Uppaluri K&H Personalized Medicine Clinic
Classification: Uncertain significance for Transitory neonatal diabetes mellitus. Review status: criteria provided, single submitter. Criteria: K & H Uppaluri Personalized Medicine Clinic Variant Classification & Assertion Criteria_Updated V.1. Collection method: research. Allele origin: somatic. Inheritance: Somatic mutation.
Comment: Mutations in ABCC8 gene are associated with both neonatal diabetes mellitus as well as MODY. Patients with this mutation may have a better response to sulfonylureas. However, no sufficient evidence is found to ascertain the role of this particular variant (rs900191703) in neonatal diabetes yet.

Clinical Genomics, Uppaluri K&H Personalized Medicine Clinic
Classification: Benign for Maturity-onset diabetes of the young. Review status: criteria provided, single submitter. Criteria: K & H Uppaluri Personalized Medicine Clinic Variant Classification & Assertion Criteria_Updated V.1. Collection method: research. Allele origin: unknown. Inheritance: Autosomal dominant inheritance.
Comment: Mutations in ABCC8 gene are associated with both neonatal diabetes mellitus as well as MODY. Patients with this mutation may have a better response to sulfonylureas. However, no sufficient evidence is found to ascertain the role of this particular variant (rs900191703) in MODY yet.

Literature cited by the submitters: PubMed 16885549; PubMed 21989597; PubMed 27538677; PubMed 18981553; PubMed 32027066; PubMed 16613899; PubMed 18025408; PubMed 32792356.

NM_000352.6(ABCC8):c.3558-7G>T

Gene: ABCC8 (ATP binding cassette subfamily C member 8; minus strand). Cytogenetic location: 11p15.1.
Variant type: single nucleotide variant.
Coding change: c.3558-7G>T on transcript NM_000352.6 (MANE Select); 7 bases into the intron before coding-DNA position 3558, G replaced by T.
Molecular consequence: intron variant.
Genome position (GRCh38, 1-based): chr11:17,402,760, C>A on the plus strand (G>T on the coding strand, the complement: ABCC8 is on the minus strand). VCF-style: chr11-17402760-C-A. GRCh37 (hg19) VCF-style: chr11-17424307-C-A.
Other names: c.3555-7G>T (NM_001351297.2); c.3558-7G>T (NM_001351296.2); c.3624-7G>T (NM_001351295.2); c.3561-7G>T (NM_001287174.3).
Identifiers: ClinVar variation 1684494 (VCV001684494.2), dbSNP rs900191703, ClinGen allele CA1955126728.